The following is an entry in ClinVar:

NM_005422.4(TECTA):c.181C>A (p.Pro61Thr)

Genes: TBCEL-TECTA (TBCEL-TECTA readthrough; plus strand), TECTA (tectorin alpha; plus strand). Cytogenetic location: 11q23.3.
Variant type: single nucleotide variant.
Coding change: c.181C>A on transcript NM_005422.4 (MANE Select); coding-DNA position 181, C replaced by A.
Protein change: p.Pro61Thr; replaces proline 61 with threonine.
Molecular consequence: missense variant.
Genome position (GRCh38, 1-based): chr11:121,105,947, C>A. VCF-style: chr11-121105947-C-A. GRCh37 (hg19) VCF-style: chr11-120976656-C-A.
Other names: c.1138C>A, p.Pro380Thr (NM_001378761.1); short protein forms P61T, P380T.
Identifiers: ClinVar variation 4087815 (VCV004087815.1).
Genomic context (GRCh38, chr11:121,105,947, plus strand): 5'-GTAGATGATGGAAGCTCATCTGAGATTAAGTTGGCCATCCCAGTTTTCTTCTTTGGCGTT[C>A]CTTACCGCACTGTCTATGTAAGTGGAGAAGCAGCCCATCTGTTGTTCTCTGGCCCTCCCT-3'
Protein context (NP_005413.2, residues 51-71): LAIPVFFFGV[Pro61Thr]YRTVYVNNNG

ClinVar aggregate classification (germline): Uncertain significance (1 of 4 stars; one submission).

gnomAD v4.1: 1 of 1,614,052 alleles (0.000062%); highest among the groups gnomAD compares: East Asian, 0.0022%; no homozygotes.

Submission:

GeneDx
Classification: Uncertain significance. Last evaluated: 2025-03-24. Review status: criteria provided, single submitter. Criteria: GeneDx Variant Classification Process June 2021. Collection method: clinical testing. Allele origin: germline. Affected: yes.
Comment: Not observed at significant frequency in large population cohorts (gnomAD); In silico analysis indicates that this missense variant does not alter protein structure/function; Has not been previously published as pathogenic or benign to our knowledge